The following is an entry in ClinVar:

NM_021100.5(NFS1):c.58C>T (p.Pro20Ser)

Gene: NFS1 (NFS1 cysteine desulfurase; minus strand). Cytogenetic location: 20q11.22.
Variant type: single nucleotide variant.
Coding change: c.58C>T on transcript NM_021100.5 (MANE Select); coding-DNA position 58, C replaced by T.
Protein change: p.Pro20Ser; replaces proline 20 with serine.
Molecular consequence: missense variant. On other transcripts: non-coding transcript variant (1).
Genome position (GRCh38, 1-based): chr20:35,699,231, G>A on the plus strand (C>T on the coding strand, the complement: NFS1 is on the minus strand). VCF-style: chr20-35699231-G-A. GRCh37 (hg19) VCF-style: chr20-34287153-G-A.
Other names: c.58C>T, p.Pro20Ser (NM_001198989.2); short protein forms P20S.
Identifiers: ClinVar variation 1929770 (VCV001929770.5), dbSNP rs2035200854, ClinGen allele CA408771964.
Genomic context (GRCh38, chr20:35,699,231, plus strand): 5'-GAGAGCGGGACCCGAGCGTACCGCGCAGGCGCAGCCCCCGAGTGGGCGCCGCGGGCTTCG[G>A]CCCTGGAGCCGCTGTCACCGCCACTGCCGCCCGCCTCCAAGCGGCTCGGAGCAGCATGGT-3'
Protein context (NP_066923.3, residues 10-30): AAVAVTAAPG[Pro20Ser]KPAAPTRGLR

ClinVar aggregate classification (germline): Uncertain significance (1 of 4 stars; one submission).

Allele frequency attached by ClinVar (database versions not stated): gnomAD exomes below 0.00001; TOPMed 0.00001.

Submission:

Labcorp Genetics (formerly Invitae), Labcorp
Classification: Uncertain significance. Last evaluated: 2025-01-27. Review status: criteria provided, single submitter. Criteria: Invitae Variant Classification Sherloc (09022015). Collection method: clinical testing. Allele origin: germline.
Comment: This sequence change replaces proline, which is neutral and non-polar, with serine, which is neutral and polar, at codon 20 of the NFS1 protein (p.Pro20Ser). This variant is not present in population databases (gnomAD no frequency). This variant has not been reported in the literature in individuals affected with NFS1-related conditions. ClinVar contains an entry for this variant (Variation ID: 1929770). An algorithm developed to predict the effect of missense changes on protein structure and function outputs the following: PolyPhen-2: "Not Available". The serine amino acid residue is found in multiple mammalian species, which suggests that this missense change does not adversely affect protein function. In summary, the available evidence is currently insufficient to determine the role of this variant in disease. Therefore, it has been classified as a Variant of Uncertain Significance.